The following is an entry in ClinVar:

ClinVar aggregate classification (germline): Likely benign. Review status: criteria provided, multiple submitters, no conflicts (2 of 4 stars). 3 submissions from 3 submitters: Likely benign (3). Last evaluated 2026-08-01.

Conditions:
Desbuquois dysplasia 1 (DBQD1). Also called: MICROMELIC DWARFISM WITH VERTEBRAL AND METAPHYSEAL ABNORMALITIES AND ADVANCED CARPOTARSAL OSSIFICATION; DESBUQUOIS DYSPLASIA 1, KIM VARIANT. Identifiers: Orphanet 1425, MedGen C4012146, MONDO:0009629, OMIM 251450.

Allele frequency attached by ClinVar (database versions not stated): gnomAD exomes 0.00053; ExAC 0.00058; ESP Exome Variant Server 0.00062; gnomAD 0.00091 and 0.00092; TOPMed 0.00096; 1000 Genomes Project 0.00140; 1000 Genomes Project 30x 0.00156.
gnomAD v4.1: 643 of 1,614,150 alleles (0.04%); highest among the groups gnomAD compares: African/African-American, 0.16%; 1 homozygote.

Submissions (3):

CeGaT Center for Human Genetics Tuebingen
Classification: Likely benign. Last evaluated: 2026-08-01. Review status: criteria provided, single submitter. Criteria: CeGaT Center For Human Genetics Tuebingen Variant Classification Criteria Version 2. Collection method: clinical testing. Allele origin: germline. Affected: yes. Observed: 2 variant alleles.
Comment: XYLT1: BP4, BP7

Labcorp Genetics (formerly Invitae), Labcorp
Classification: Likely benign for Desbuquois dysplasia 1. Last evaluated: 2025-12-24. Review status: criteria provided, single submitter. Criteria: Invitae Variant Classification Sherloc (09022015). Collection method: clinical testing. Allele origin: germline.

Blueprint Genetics
Classification: Likely benign. Last evaluated: 2024-11-13. Review status: criteria provided, single submitter. Criteria: ACMG Guidelines, 2015. Collection method: clinical testing. Allele origin: germline.

NM_022166.4(XYLT1):c.1704C>T (p.Ile568=)

Genes: XYLT1 (xylosyltransferase 1; minus strand), LOC102723692 (uncharacterized LOC102723692; plus strand). Cytogenetic location: 16p12.3.
Variant type: single nucleotide variant.
Coding change: c.1704C>T on transcript NM_022166.4 (MANE Select); coding-DNA position 1704, C replaced by T.
Protein change: p.Ile568=; no amino-acid change (isoleucine 568 retained).
Molecular consequence: synonymous variant. On other transcripts: non-coding transcript variant (1).
Genome position (GRCh38, 1-based): chr16:17,138,415, G>A on the plus strand (C>T on the coding strand, the complement: XYLT1 is on the minus strand). VCF-style: chr16-17138415-G-A. GRCh37 (hg19) VCF-style: chr16-17232272-G-A.
Identifiers: ClinVar variation 785760 (VCV000785760.39), dbSNP rs139802880, ClinGen allele CA7927814.